The following is an entry in ClinVar:

ClinVar aggregate classification (germline): Uncertain significance (1 of 4 stars; one submission).

Conditions:
Retinoblastoma (RB1). Also called: RETINOBLASTOMA, SOMATIC. Identifiers: Orphanet 790, MedGen C0035335, MeSH D012175, MONDO:0008380, OMIM 180200, HP:0009919. Disease mechanism: loss of function. Inheritance: Both sporadic and heritable forms are tested..

Allele frequency attached by ClinVar (database versions not stated): gnomAD exomes below 0.00001.
gnomAD v4.1: 3 of 1,462,686 alleles (0.00021%); highest among the groups gnomAD compares: South Asian, 0.004%; no homozygotes.

Submission:

Labcorp Genetics (formerly Invitae), Labcorp
Classification: Uncertain significance for Retinoblastoma. Last evaluated: 2021-09-19. Review status: criteria provided, single submitter. Criteria: Invitae Variant Classification Sherloc (09022015). Collection method: clinical testing. Allele origin: germline.
Comment: In summary, the available evidence is currently insufficient to determine the role of this variant in disease. Therefore, it has been classified as a Variant of Uncertain Significance. Algorithms developed to predict the effect of missense changes on protein structure and function (SIFT, PolyPhen-2, Align-GVGD) all suggest that this variant is likely to be tolerated. This variant has not been reported in the literature in individuals affected with RB1-related conditions. The frequency data for this variant in the population databases is considered unreliable, as metrics indicate insufficient coverage at this position in the ExAC database. This sequence change replaces proline with threonine at codon 39 of the RB1 protein (p.Pro39Thr). The proline residue is moderately conserved and there is a small physicochemical difference between proline and threonine.

NM_000321.3(RB1):c.115C>A (p.Pro39Thr)

Gene: RB1 (RB transcriptional corepressor 1; plus strand). Cytogenetic location: 13q14.2.
Variant type: single nucleotide variant.
Coding change: c.115C>A on transcript NM_000321.3 (MANE Select); coding-DNA position 115, C replaced by A.
Protein change: p.Pro39Thr; replaces proline 39 with threonine.
Molecular consequence: missense variant.
Genome position (GRCh38, 1-based): chr13:48,304,027, C>A. VCF-style: chr13-48304027-C-A. GRCh37 (hg19) VCF-style: chr13-48878163-C-A.
Other names: short protein forms P39T.
Identifiers: ClinVar variation 1403619 (VCV001403619.6), dbSNP rs2138027915, ClinGen allele CA388250358.